The following is an entry in ClinVar:

ClinVar aggregate classification (germline): Uncertain significance. Review status: criteria provided, multiple submitters, no conflicts (2 of 4 stars). 4 submissions from 4 submitters: Uncertain significance (4). Last evaluated 2025-04-09.

Conditions:
Cardiovascular phenotype. Identifiers: MedGen CN230736.
Walker-Warburg congenital muscular dystrophy. Also called: Muscular dystrophy-dystroglycanopathy, type A; Walker-Warburg syndrome. Identifiers: Orphanet 899, MedGen C0265221, MONDO:0000171.

Allele frequency attached by ClinVar (database versions not stated): gnomAD exomes 0.00001; ExAC 0.00001; gnomAD 0.00003 and 0.00002; TOPMed 0.00002; 1000 Genomes Project 30x 0.00016; 1000 Genomes Project 0.00020.
gnomAD v4.1: 13 of 1,611,374 alleles (0.00081%); highest among the groups gnomAD compares: African/African-American, 0.015%; no homozygotes.

Submissions (4):

Molecular Diagnostic Laboratory for Inherited Cardiovascular Disease, Montreal Heart Institute
Classification: Uncertain significance for Cardiovascular phenotype. Last evaluated: 2025-04-09. Review status: criteria provided, single submitter. Criteria: ACMG Guidelines, 2015. Collection method: clinical testing. Allele origin: germline. Affected: yes.
Comment: PM2, PP3

Labcorp Genetics (formerly Invitae), Labcorp
Classification: Uncertain significance for Walker-Warburg congenital muscular dystrophy. Last evaluated: 2024-08-30. Review status: criteria provided, single submitter. Criteria: Invitae Variant Classification Sherloc (09022015). Collection method: clinical testing. Allele origin: germline.
Comment: This sequence change replaces valine, which is neutral and non-polar, with alanine, which is neutral and non-polar, at codon 349 of the FKTN protein (p.Val349Ala). This variant is present in population databases (rs539089647, gnomAD 0.01%). This variant has not been reported in the literature in individuals affected with FKTN-related conditions. ClinVar contains an entry for this variant (Variation ID: 451226). An algorithm developed to predict the effect of missense changes on protein structure and function (PolyPhen-2) suggests that this variant is likely to be disruptive. Algorithms developed to predict the effect of sequence changes on RNA splicing suggest that this variant may disrupt the consensus splice site. In summary, the available evidence is currently insufficient to determine the role of this variant in disease. Therefore, it has been classified as a Variant of Uncertain Significance.

Ambry Genetics
Classification: Uncertain significance for Cardiovascular phenotype. Last evaluated: 2018-08-02. Review status: criteria provided, single submitter. Criteria: Ambry Variant Classification Scheme 2023. Collection method: clinical testing. Allele origin: germline.
Comment: The p.V349A variant (also known as c.1046T>C), located in coding exon 8 of the FKTN gene, results from a T to C substitution at nucleotide position 1046. The valine at codon 349 is replaced by alanine, an amino acid with similar properties. This amino acid position is highly conserved in available vertebrate species. In addition, this alteration is predicted to be deleterious by in silico analysis. Since supporting evidence is limited at this time, the clinical significance of this alteration remains unclear.

GeneDx
Classification: Uncertain significance. Last evaluated: 2017-08-08. Review status: criteria provided, single submitter. Criteria: GeneDx Variant Classification (06012015). Collection method: clinical testing. Allele origin: germline. Affected: yes.
Comment: A variant of uncertain significance has been identified in the FKTN gene. The V349A variant has not been published as pathogenic or been reported as benign to our knowledge. This variant is not observed at a significant frequency in large population cohorts (Lek et al., 2016; 1000 Genomes Consortium et al., 2015; Exome Variant Server). This substitution occurs at a position that is conserved across species and in silico analysis predicts this variant is probably damaging to the protein structure/function. Nevertheless, V349A is a conservative amino acid substitution, which is not likely to impact secondary protein structure as these residues share similar properties.

NM_001079802.2(FKTN):c.1046T>C (p.Val349Ala)

Gene: FKTN (fukutin; plus strand). Cytogenetic location: 9q31.2.
Variant type: single nucleotide variant.
Coding change: c.1046T>C on transcript NM_001079802.2 (MANE Select); coding-DNA position 1046, T replaced by C.
Protein change: p.Val349Ala; replaces valine 349 with alanine.
Molecular consequence: missense variant. On other transcripts: non-coding transcript variant (2).
Genome position (GRCh38, 1-based): chr9:105,619,935, T>C. VCF-style: chr9-105619935-T-C. GRCh37 (hg19) VCF-style: chr9-108382216-T-C.
Other names: c.1046T>C, p.Val349Ala (NM_001198963.2, NM_001351496.2, NM_001351498.2 and 1 more transcripts); c.977T>C, p.Val326Ala (NM_001351497.2); c.650T>C, p.Val217Ala (NM_001351499.2, NM_001351500.2, NM_001351501.2 and 1 more transcripts); short protein forms V349A, V217A, V326A.
Identifiers: ClinVar variation 451226 (VCV000451226.10), dbSNP rs539089647, ClinGen allele CA5170564.